The following is an entry in ClinVar:

NM_000059.4(BRCA2):c.5867A>G (p.Asp1956Gly)

Gene: BRCA2 (BRCA2 DNA repair associated; plus strand). Cytogenetic location: 13q13.1.
Variant type: single nucleotide variant.
Coding change: c.5867A>G on transcript NM_000059.4 (MANE Select); coding-DNA position 5867, A replaced by G.
Protein change: p.Asp1956Gly; replaces aspartic acid 1956 with glycine.
Molecular consequence: missense variant.
Genome position (GRCh38, 1-based): chr13:32,340,222, A>G. VCF-style: chr13-32340222-A-G. GRCh37 (hg19) VCF-style: chr13-32914359-A-G.
Other names: short protein forms D1956G.
Identifiers: ClinVar variation 495475 (VCV000495475.14), dbSNP rs1309562690, ClinGen allele CA387787427.

ClinVar aggregate classification (germline): Conflicting classifications of pathogenicity. Review status: criteria provided, conflicting classifications (1 of 4 stars). 6 submissions from 6 submitters: Uncertain significance (4); Likely benign (2). Last evaluated 2025-09-30.

Conditions:
Hereditary cancer-predisposing syndrome. Also called: Hereditary neoplastic syndrome; Tumor predisposition; Hereditary Cancer Syndrome; Neoplastic Syndromes, Hereditary. Identifiers: Orphanet 140162, MedGen C0027672, MeSH D009386, MONDO:0015356.
Hereditary breast ovarian cancer syndrome. Also called: Hereditary breast and/or ovarian cancer syndrome; BRCA1- and BRCA2-Associated Hereditary Breast and Ovarian Cancer; Breast and ovarian cancer; Hereditary breast and ovarian cancer; Hereditary breast and ovarian cancer syndrome; Hereditary breast and ovarian cancer syndrome (HBOC). Identifiers: Orphanet 145, MedGen C0677776, MeSH D061325, MONDO:0003582. Disease mechanism: loss of function.

gnomAD v4.1: 1 of 1,614,002 alleles (0.000062%); highest among the groups gnomAD compares: Non-Finnish European, 0.000085%; no homozygotes.

Submissions (6):

Color Diagnostics, LLC DBA Color Health
Classification: Uncertain significance for Hereditary cancer-predisposing syndrome. Last evaluated: 2025-09-30. Review status: criteria provided, single submitter. Criteria: ACMG Guidelines, 2015. Collection method: clinical testing. Allele origin: germline.
Comment: This missense variant replaces aspartic acid with glycine at codon 1956 of the BRCA2 protein. Computational prediction suggests that this variant may not impact protein structure and function. To our knowledge, functional studies have not been reported for this variant. This variant has not been reported in individuals affected with BRCA2-related disorders in the literature. This variant has not been identified in the general population by the Genome Aggregation Database (gnomAD). The available evidence is insufficient to determine the role of this variant in disease conclusively. Therefore, this variant is classified as a Variant of Uncertain Significance.

Ambry Genetics
Classification: Likely benign for Hereditary cancer-predisposing syndrome. Last evaluated: 2025-02-26. Review status: criteria provided, single submitter. Criteria: Ambry Variant Classification Scheme 2023. Collection method: clinical testing. Allele origin: germline.

Labcorp Genetics (formerly Invitae), Labcorp
Classification: Uncertain significance for Hereditary breast ovarian cancer syndrome. Last evaluated: 2024-11-05. Review status: criteria provided, single submitter. Criteria: Invitae Variant Classification Sherloc (09022015). Collection method: clinical testing. Allele origin: germline.
Comment: This sequence change replaces aspartic acid, which is acidic and polar, with glycine, which is neutral and non-polar, at codon 1956 of the BRCA2 protein (p.Asp1956Gly). This variant is not present in population databases (gnomAD no frequency). This variant has not been reported in the literature in individuals affected with BRCA2-related conditions. ClinVar contains an entry for this variant (Variation ID: 495475). Invitae Evidence Modeling of protein sequence and biophysical properties (such as structural, functional, and spatial information, amino acid conservation, physicochemical variation, residue mobility, and thermodynamic stability) indicates that this missense variant is not expected to disrupt BRCA2 protein function with a negative predictive value of 95%. In summary, the available evidence is currently insufficient to determine the role of this variant in disease. Therefore, it has been classified as a Variant of Uncertain Significance.

University of Washington Department of Laboratory Medicine, University of Washington
Classification: Likely benign for Hereditary cancer-predisposing syndrome. Last evaluated: 2023-03-23. Review status: criteria provided, single submitter. Criteria: Dines et al. (Genet Med. 2020). Collection method: curation. Allele origin: germline.
Comment: Missense variant in a coldspot region where missense variants are very unlikely to be pathogenic (PMID:31911673).

BRCA2 exon 11 coldspot. Reclassification based on statistical prior probability.

Quest Diagnostics Nichols Institute San Juan Capistrano
Classification: Uncertain significance. Last evaluated: 2020-10-16. Review status: criteria provided, single submitter. Criteria: Quest Diagnostics criteria. Collection method: clinical testing. Allele origin: unknown.

Women's Health and Genetics/Laboratory Corporation of America, LabCorp
Classification: Uncertain significance. Last evaluated: 2016-01-22. Review status: criteria provided, single submitter. Criteria: LabCorp Variant Classification Summary - May 2015. Collection method: clinical testing. Allele origin: germline.
Comment: Variant summary: BRCA2 c.5867A>G affects a non-conserved nucleotide, resulting in amino acid change from Asp to Gly. 3/5 in-silico tools predict this variant to be damaging. This variant is not found in 120992 control chromosomes. The variant of interest has not, to our knowledge, been reported in affected individuals via publications and/or reputable databases/clinical laboratories; nor evaluated for functional impact by in vivo/vitro studies. Because of the absence of clinical information and the lack of functional studies, the variant was classified as a variant of uncertain significance (VUS) until additional information becomes available.